The following is an entry in ClinVar:

NM_000301.5(PLG):c.1114C>G (p.Pro372Ala)

Gene: PLG (plasminogen; plus strand). Cytogenetic location: 6q26.
Variant type: single nucleotide variant.
Coding change: c.1114C>G on transcript NM_000301.5 (MANE Select); coding-DNA position 1114, C replaced by G.
Protein change: p.Pro372Ala; replaces proline 372 with alanine.
Molecular consequence: missense variant.
Genome position (GRCh38, 1-based): chr6:160,722,425, C>G. VCF-style: chr6-160722425-C-G. GRCh37 (hg19) VCF-style: chr6-161143457-C-G.
Other names: short protein forms P372A.
Identifiers: ClinVar variation 2136490 (VCV002136490.4), dbSNP rs758597842, ClinGen allele CA4087687.
Genomic context (GRCh38, chr6:160,722,425, plus strand): 5'-TTTCAGTAATTGTTAAGCTTGATTTCTTTTATTTTAATTTCAGCACCACCTGAGCTAACC[C>G]CTGTGGTCCAGGACTGCTACCATGGTGATGGACAGAGCTACCGAGGCACATCCTCCACCA-3'
Protein context (NP_000292.1, residues 362-382): LAPTAPPELT[Pro372Ala]VVQDCYHGDG

ClinVar aggregate classification (germline): Uncertain significance (1 of 4 stars; one submission).

Allele frequency attached by ClinVar (database versions not stated): ExAC 0.00002; gnomAD 0.00005; gnomAD exomes 0.00011.
gnomAD v4.1: 161 of 1,612,180 alleles (0.01%); highest among the groups gnomAD compares: Non-Finnish European, 0.013%; no homozygotes.

Submission:

Labcorp Genetics (formerly Invitae), Labcorp
Classification: Uncertain significance. Last evaluated: 2025-12-08. Review status: criteria provided, single submitter. Criteria: Invitae Variant Classification Sherloc (09022015). Collection method: clinical testing. Allele origin: germline.
Comment: This sequence change replaces proline, which is neutral and non-polar, with alanine, which is neutral and non-polar, at codon 372 of the PLG protein (p.Pro372Ala). This variant is present in population databases (rs758597842, gnomAD 0.007%). This missense change has been observed in individual(s) with type I plasminogen deficiency (PMID: 12945885). This variant is also known as P353A. ClinVar contains an entry for this variant (Variation ID: 2136490). Invitae Evidence Modeling of protein sequence and biophysical properties (such as structural, functional, and spatial information, amino acid conservation, physicochemical variation, residue mobility, and thermodynamic stability) indicates that this missense variant is not expected to disrupt PLG protein function with a negative predictive value of 80%. In summary, the available evidence is currently insufficient to determine the role of this variant in disease. Therefore, it has been classified as a Variant of Uncertain Significance.

Literature cited by the submitters: PubMed 12945885.